The following is an entry in ClinVar:

NR_003051.4(RMRP):n.113C>T

Gene: RMRP (RNA component of mitochondrial RNA processing endoribonuclease; minus strand). Cytogenetic location: 9p13.3.
Variant type: single nucleotide variant.
Genome position: GRCh38 VCF-style: chr9-35657907-G-A. GRCh37 (hg19) VCF-style: chr9-35657904-G-A.
Identifiers: ClinVar variation 566719 (VCV000566719.4), dbSNP rs1479610947, ClinGen allele CA464450775.
Genomic context (GRCh38, chr9:35,657,907, plus strand): 5'-CCGCTCAGCGGGATACGCTTCTTGGCGGACTTTGGAGTGGGAAGCGGGGAATGTCTACGT[G>A]CGTATGCACGTGGCACTCTCTGCCCGAGGTCCGGGGACTTTCCCCTAGGCGGAAAGGGGA-3'

ClinVar aggregate classification (germline): Uncertain significance. Review status: criteria provided, single submitter (1 of 4 stars). 2 submissions from 2 submitters: Uncertain significance (1). 1 of the submissions does not count toward it. Last evaluated 2021-09-01.

Conditions:
Anauxetic dysplasia. Identifiers: Orphanet 93347, MedGen C1846796, MONDO:0011773.
Metaphyseal chondrodysplasia, McKusick type (CHH). Also called: Cartilage-hair hypoplasia; Cartilage-Hair Hypoplasia (CHH). Identifiers: Orphanet 175, MedGen C0220748, MONDO:0009595, OMIM 250250.

gnomAD v4.1: 5 of 699,386 alleles (0.00071%); highest among the groups gnomAD compares: African/African-American, 0.0018%; no homozygotes.

Submissions (2):

Labcorp Genetics (formerly Invitae), Labcorp
Classification: Uncertain significance for Anauxetic dysplasia. Last evaluated: 2021-09-01. Review status: criteria provided, single submitter. Criteria: Invitae Variant Classification Sherloc (09022015). Collection method: clinical testing. Allele origin: germline.
Comment: This variant occurs in the RMRP gene, which encodes an RNA molecule that does not result in a protein product. The frequency data for this variant in the population databases is considered unreliable, as metrics indicate insufficient coverage at this position in the ExAC database. This variant has not been reported in the literature in individuals affected with RMRP-related conditions. ClinVar contains an entry for this variant (Variation ID: 566719). Experimental studies and prediction algorithms are not available or were not evaluated, and the functional significance of this variant is currently unknown. In summary, the available evidence is currently insufficient to determine the role of this variant in disease. Therefore, it has been classified as a Variant of Uncertain Significance.

Natera, Inc.
Classification: Uncertain significance for Cartilage-hair hypoplasia. Last evaluated: 2020-09-21. Review status: no assertion criteria provided. Collection method: clinical testing. Allele origin: germline. Not counted in ClinVar's aggregate classification.